The following is an entry in ClinVar:

NM_001375524.1(TRRAP):c.10928C>G (p.Ala3643Gly)

Gene: TRRAP (transformation/transcription domain associated protein; plus strand). Cytogenetic location: 7q22.1.
Variant type: single nucleotide variant.
Coding change: c.10928C>G on transcript NM_001375524.1 (MANE Select); coding-DNA position 10928, C replaced by G.
Protein change: p.Ala3643Gly; replaces alanine 3643 with glycine.
Molecular consequence: missense variant.
Genome position (GRCh38, 1-based): chr7:99,008,551, C>G. VCF-style: chr7-99008551-C-G. GRCh37 (hg19) VCF-style: chr7-98606174-C-G.
Other names: c.10886C>G, p.Ala3629Gly (NM_001244580.2); c.10799C>G, p.Ala3600Gly (NM_003496.4); short protein forms A3600G, A3629G, A3643G.
Identifiers: ClinVar variation 3383658 (VCV003383658.1).

ClinVar aggregate classification (germline): Uncertain significance (1 of 4 stars; one submission).

Submission:

GeneDx
Classification: Uncertain significance. Last evaluated: 2024-05-30. Review status: criteria provided, single submitter. Criteria: GeneDx Variant Classification Process June 2021. Collection method: clinical testing. Allele origin: germline. Affected: yes.
Comment: Not observed at significant frequency in large population cohorts (gnomAD); In silico analysis indicates that this missense variant does not alter protein structure/function; Has not been previously published as pathogenic or benign to our knowledge